The following is an entry in ClinVar:

ClinVar aggregate classification (germline): Uncertain significance (1 of 4 stars; one submission).

Conditions:
Wilson disease (WND). Also called: Wilson's disease. Identifiers: Orphanet 905, MedGen C0019202, MONDO:0010200, OMIM 277900. Disease mechanism: loss of function.

Submission:

All of Us Research Program, National Institutes of Health
Classification: Uncertain significance for Wilson disease. Last evaluated: 2023-04-10. Review status: criteria provided, single submitter. Criteria: ACMG Guidelines, 2015. Collection method: clinical testing. Allele origin: germline. Inheritance: Autosomal recessive inheritance. Observed: 1 variant allele, 1 heterozygote.
Comment: This missense variant replaces methionine with isoleucine at codon 445 of the ATP7B protein. Computational prediction suggests that this variant may not impact protein structure and function (internally defined REVEL score threshold <= 0.5, PMID: 27666373). To our knowledge, functional studies have not been reported for this variant. This variant has not been reported in individuals affected with ATP7B-related disorders in the literature. This variant has not been identified in the general population by the Genome Aggregation Database (gnomAD). The available evidence is insufficient to determine the role of this variant in disease conclusively. Therefore, this variant is classified as a Variant of Uncertain Significance.

This study involves interpretation of variants in research participants for the purpose of population health screening. Participant phenotype was not available at the time of variant classification. Additional details can be found in publication PMID: 35346344, PMCID: PMC8962531

NM_000053.4(ATP7B):c.1335G>A (p.Met445Ile)

Gene: ATP7B (ATPase copper transporting beta; minus strand). Cytogenetic location: 13q14.3.
Variant type: single nucleotide variant.
Coding change: c.1335G>A on transcript NM_000053.4 (MANE Select); coding-DNA position 1335, G replaced by A.
Protein change: p.Met445Ile; replaces methionine 445 with isoleucine.
Molecular consequence: missense variant. On other transcripts: intron variant (1).
Genome position (GRCh38, 1-based): chr13:51,970,700, C>T on the plus strand (G>A on the coding strand, the complement: ATP7B is on the minus strand). VCF-style: chr13-51970700-C-T. GRCh37 (hg19) VCF-style: chr13-52544836-C-T.
Other names: c.1335G>A, p.Met445Ile (NM_001005918.3, NM_001330578.2, NM_001330579.2 and 28 more transcripts); c.1002G>A, p.Met334Ile (NM_001243182.2); c.1239G>A, p.Met413Ile (NM_001406530.1, NM_001406536.1, NM_001406517.1 and 3 more transcripts); c.1285+3235G>A (NM_001406548.1); c.906G>A, p.Met302Ile (NM_001406539.1); short protein forms M302I, M334I, M413I, M445I.
Identifiers: ClinVar variation 3070335 (VCV003070335.1), dbSNP rs2547795103, ClinGen allele CA388035985.